The following is an entry in ClinVar:

NM_000500.9(CYP21A2):c.159_160del (p.Gln54fs)

Genes: CYP21A2 (cytochrome P450 family 21 subfamily A member 2; plus strand), LOC106780800 (CYP21A2 recombination region; plus strand). Cytogenetic location: 6p21.33.
Variant type: Deletion.
Coding change: c.159_160del on transcript NM_000500.9 (MANE Select); coding-DNA positions 159 to 160, 2 bases deleted (TC; older notation c.159_160delTC).
Protein change: p.Gln54fs; shifts the reading frame from glutamine 54.
Molecular consequence: frameshift variant. On other transcripts: 5 prime UTR variant (2).
Genome position (GRCh38, 1-based): chr6:32,038,581-32,038,582, TC deleted; deleting any 2 consecutive bases within chr6:32,038,580-32,038,582 gives the same sequence; the c. name uses the placement nearest the transcript's 3' end. VCF-style (leftmost placement, unchanged base first): chr6-32038579-ACT-A. GRCh37 (hg19) VCF-style: chr6-32006356-ACT-A.
Other names: c.159_160del, p.Gln54fs (NM_001128590.4); c.-266_-265del (NM_001368143.2); c.-176_-175del (NM_001368144.2); short protein forms Q54fs.
Identifiers: ClinVar variation 266040 (VCV000266040.3), dbSNP rs886038207, ClinGen allele CA10588958.

ClinVar aggregate classification (germline): Likely pathogenic (1 of 4 stars; one submission).

Conditions:
21-Hydroxylase-Deficient Congenital Adrenal Hyperplasia. Also called: ADRENAL HYPERPLASIA, CONGENITAL, DUE TO 21-HYDROXYLASE DEFICIENCY; ADRENAL HYPERPLASIA III. Identifiers: MedGen C2936858, OMIM 201910.

Submission:

GenePathDx, GenePath diagnostics
Classification: Likely pathogenic for 21-Hydroxylase-Deficient Congenital Adrenal Hyperplasia. Last evaluated: 2016-09-28. Review status: criteria provided, single submitter. Criteria: GenePath Dx Variant Classification Criteria (2016), v1. Collection method: clinical testing. Allele origin: germline. Inheritance: Autosomal recessive inheritance. Affected: yes. Observed: 1 variant allele, 1 homozygote.
Comment: This is a novel variant which has never been reported in literature or in the annotated databases. This deletion is predicted to cause a shift in the translational reading frame and results in a loss of function variant. In-silico mutation analysis software categorize it as “damaging/ disease causing”. This variant has not been previously reported in our in-house database of variants, which consist of clinical exome sequencing data of over 150 Indian patients who were referred for conditions other than 21-OH CAH indicating that this variant is not a common polymorphism in our population. Based on available evidences, this variant was classified as “Likely to be pathogenic”.